The following is an entry in ClinVar:

NM_021620.4(PRDM13):c.950G>A (p.Ser317Asn)

Gene: PRDM13 (PR/SET domain 13; plus strand). Cytogenetic location: 6q16.2.
Variant type: single nucleotide variant.
Coding change: c.950G>A on transcript NM_021620.4 (MANE Select); coding-DNA position 950, G replaced by A.
Protein change: p.Ser317Asn; replaces serine 317 with asparagine.
Molecular consequence: missense variant.
Genome position (GRCh38, 1-based): chr6:99,613,585, G>A. VCF-style: chr6-99613585-G-A. GRCh37 (hg19) VCF-style: chr6-100061461-G-A.
Other names: short protein forms S317N.
Identifiers: ClinVar variation 1326484 (VCV001326484.4), dbSNP rs780854003, ClinGen allele CA365117195.

ClinVar aggregate classification (germline): Uncertain significance (1 of 4 stars; one submission).

gnomAD v4.1: 2 of 1,499,862 alleles (0.00013%); highest among the groups gnomAD compares: Non-Finnish European, 0.00018%; no homozygotes.

Submission:

GeneDx
Classification: Uncertain significance. Last evaluated: 2024-05-06. Review status: criteria provided, single submitter. Criteria: GeneDx Variant Classification Process June 2021. Collection method: clinical testing. Allele origin: germline. Affected: yes.
Comment: Not observed at significant frequency in large population cohorts (gnomAD); In silico analysis indicates that this missense variant does not alter protein structure/function; Has not been previously published as pathogenic or benign to our knowledge